The following is an entry in ClinVar:

ClinVar aggregate classification (germline): Uncertain significance (1 of 4 stars; one submission).

gnomAD v4.1: 1 of 1,614,168 alleles (0.000062%); highest among the groups gnomAD compares: Non-Finnish European, 0.000085%; no homozygotes.

Submission:

Labcorp Genetics (formerly Invitae), Labcorp
Classification: Uncertain significance. Last evaluated: 2022-06-27. Review status: criteria provided, single submitter. Criteria: Invitae Variant Classification Sherloc (09022015). Collection method: clinical testing. Allele origin: germline.
Comment: In summary, the available evidence is currently insufficient to determine the role of this variant in disease. Therefore, it has been classified as a Variant of Uncertain Significance. Algorithms developed to predict the effect of missense changes on protein structure and function output the following: SIFT: "Deleterious"; PolyPhen-2: "Benign"; Align-GVGD: "Class C25". The valine amino acid residue is found in multiple mammalian species, which suggests that this missense change does not adversely affect protein function. This variant has not been reported in the literature in individuals affected with NBAS-related conditions. This variant is not present in population databases (gnomAD no frequency). This sequence change replaces isoleucine, which is neutral and non-polar, with valine, which is neutral and non-polar, at codon 1823 of the NBAS protein (p.Ile1823Val).

NM_015909.4(NBAS):c.5467A>G (p.Ile1823Val)

Gene: NBAS (NBAS subunit of NRZ tethering complex; minus strand). Cytogenetic location: 2p24.3.
Variant type: single nucleotide variant.
Coding change: c.5467A>G on transcript NM_015909.4 (MANE Select); coding-DNA position 5467, A replaced by G.
Protein change: p.Ile1823Val; replaces isoleucine 1823 with valine.
Molecular consequence: missense variant. On other transcripts: non-coding transcript variant (1).
Genome position (GRCh38, 1-based): chr2:15,275,741, T>C on the plus strand (A>G on the coding strand, the complement: NBAS is on the minus strand). VCF-style: chr2-15275741-T-C. GRCh37 (hg19) VCF-style: chr2-15415865-T-C.
Other names: short protein forms I1823V.
Identifiers: ClinVar variation 1484382 (VCV001484382.8), dbSNP rs201084909, ClinGen allele CA345883211.